The following is an entry in ClinVar:

ClinVar aggregate classification (germline): Uncertain significance (1 of 4 stars; one submission).

Conditions:
Syndromic X-linked intellectual disability 94 (MRXSW). Also called: X-linked intellectual disability due to GRIA3 anomalies; MENTAL RETARDATION, X-LINKED, SYNDROMIC 29. Identifiers: Orphanet 364028, MedGen C2678051, MONDO:0010402, OMIM 300699.

Submission:

Institute of Human Genetics, University of Leipzig Medical Center
Classification: Uncertain significance for Syndromic X-linked intellectual disability 94. Last evaluated: 2024-07-24. Review status: criteria provided, single submitter. Criteria: ACMG Guidelines, 2015. Collection method: clinical testing. Allele origin: unknown. Inheritance: Autosomal dominant inheritance. Affected: yes.
Comment: Criteria applied: PM2,PP2,PP3

NM_000828.5(GRIA3):c.2392T>C (p.Trp798Arg)

Gene: GRIA3 (glutamate ionotropic receptor AMPA type subunit 3; plus strand). Cytogenetic location: Xq25.
Variant type: single nucleotide variant.
Coding change: c.2392T>C on transcript NM_000828.5 (MANE Plus Clinical); coding-DNA position 2392, T replaced by C.
Protein change: p.Trp798Arg; replaces tryptophan 798 with arginine.
Molecular consequence: missense variant. On other transcripts: intron variant (1).
Genome position (GRCh38, 1-based): chrX:123,465,741, T>C. VCF-style: chrX-123465741-T-C. GRCh37 (hg19) VCF-style: chrX-122599592-T-C.
Other names: c.2324+629T>C (NM_007325.5); short protein forms W798R.
Identifiers: ClinVar variation 3359028 (VCV003359028.2).